The following continues an entry in ClinVar:

NM_000526.5(KRT14):c.373C>T (p.Arg125Cys)

Gene: KRT14. ClinVar aggregate classification (germline): Pathogenic. Pathogenic (12).

Submissions 9 to 16 of 16:

GeneDx
Classification: Pathogenic. Last evaluated: 2022-04-11. Review status: criteria provided, single submitter. Criteria: GeneDx Variant Classification Process June 2021. Collection method: clinical testing. Allele origin: germline. Affected: yes.
Comment: Published functional studies demonstrate that this variant results in destabilization of the keratin filament network in basal keratinocytes and may result in intracellular keratin aggregates (Coulombe et al., 1991; Loffek et al., 2010); Located in the helix initiation motif of the 1A domain, a region intolerant to change; keratin gene variants affecting the residues at the ends of the central rod domains of the keratin proteins (helix initiation and termination motifs) interfere with proper keratin intermediate filament assembly and function, resulting in skin fragility, blistering, and/or hyperkeratosis (Chamcheu et al., 2011); Not observed at significant frequency in large population cohorts (gnomAD); In silico analysis supports that this missense variant has a deleterious effect on protein structure/function; This variant is associated with the following publications: (PMID: 20301543, 11480251, 10583131, 11331879, 21967011, 20151404, 27065010, 7561171, 10733662, 11869205, 26432462, 28830826, 25326635, 19040520, 16098032, 14962092, 30011071, 31001817, 31772641, 32383240, 33274474, 35052793, 35191026, 31957133, 32616561, 1717157, 26707537, 32484238, 21176769, 19854623)

Laboratorio de Genetica e Diagnostico Molecular, Hospital Israelita Albert Einstein
Classification: Pathogenic for Epidermolysis bullosa simplex 1A, generalized severe; Epidermolysis bullosa simplex, Koebner type. Last evaluated: 2022-02-15. Review status: criteria provided, single submitter. Criteria: ACMG Guidelines, 2015. Collection method: clinical testing. Allele origin: germline. Affected: yes.
Comment: ACMG classification criteria: PS3 supporting, PS4 strong, PM1 moderate, PM2 moderate, PM5, PM6 moderate, PP1 supporting, PP3 supporting

Baylor Genetics
Classification: Pathogenic for Epidermolysis bullosa simplex. Last evaluated: 2017-09-01. Review status: criteria provided, single submitter. Criteria: ACMG Guidelines, 2015. Collection method: clinical testing. Allele origin: de novo. Inheritance: Autosomal unknown. Affected: yes.

Biomedical Innovation Departament, CIEMAT
Classification: Pathogenic for Simplex epidermolysis bullosa. Last evaluated: 2009-10-13. Review status: criteria provided, single submitter. Criteria: ACMG Guidelines, 2015. Collection method: research. Allele origin: germline, de novo. Affected: yes. Observed: 6 variant alleles.

OMIM
Classification: Pathogenic for EPIDERMOLYSIS BULLOSA SIMPLEX 1A, GENERALIZED SEVERE. Last evaluated: 2001-05-01. Review status: no assertion criteria provided. Collection method: literature only. Allele origin: germline. Not counted in ClinVar's aggregate classification.

Epithelial Biology;  Institute of Medical Biology, Singapore
No classification provided. Review status: no classification provided. Collection method: not provided. Allele origin: not provided. Not counted in ClinVar's aggregate classification.

GeneReviews
No classification provided. Condition: Epidermolysis bullosa simplex 1A, generalized severe. Review status: no classification provided. Collection method: literature only. Allele origin: unknown. Not counted in ClinVar's aggregate classification.

Narges Medical Genetic and Prenatal Diagnosis Lab
Classification: Pathogenic for Epidermolysis bullosa simplex 1A, generalized severe. Review status: no assertion criteria provided. Collection method: clinical testing. Allele origin: germline. Inheritance: Autosomal dominant inheritance. Affected: yes. Observed: 1 heterozygote. Not counted in ClinVar's aggregate classification.

Literature cited by the submitters: PubMed 16098032 (cited by Labcorp Genetics (formerly Invitae), Labcorp and Dasa); PubMed 1717157 (cited by 5 submitters); PubMed 12890194 (cited by 3billion); PubMed 31957133 (cited by 3 submitters); PubMed 37452458 (cited by Dasa); PubMed 31772641 (cited by Dasa and Ambry Genetics); PubMed 26432462 (cited by Ambry Genetics); PubMed 35191026 (cited by Ambry Genetics); PubMed 36430820 (cited by Ambry Genetics); PubMed 36578049 (cited by Ambry Genetics); PubMed 38474236 (cited by Ambry Genetics); PubMed 38803406 (cited by Ambry Genetics); PubMed 16960809 (cited by Victorian Clinical Genetics Services, Murdoch Childrens Research Institute); PubMed 18717745 (cited by Victorian Clinical Genetics Services, Murdoch Childrens Research Institute); PubMed 20151404 (cited by Baylor Genetics); PubMed 25326635 (cited by Baylor Genetics); PubMed 21623745 (cited by Biomedical Innovation Departament, CIEMAT); PubMed 10583131 (cited by OMIM and GeneReviews); PubMed 10733662 (cited by OMIM); PubMed 11331879 (cited by OMIM and GeneReviews); PubMed 26743602 (cited by OMIM); PubMed 20301543 (cited by GeneReviews); NCBI Bookshelf NBK1369 (cited by GeneReviews).